The following is an entry in ClinVar:

ClinVar aggregate classification (germline): Likely benign. Review status: criteria provided, multiple submitters, no conflicts (2 of 4 stars). 3 submissions from 3 submitters: Likely benign (3). Last evaluated 2025-12-22.

Conditions:
Collagen 6-related myopathy. Identifiers: MedGen CN117976, MONDO:0100225.
Bethlem myopathy 1A. Also called: Bethlem Muscular Dystrophy; Bethlem myopathy 1; MYOPATHY, BENIGN CONGENITAL, WITH CONTRACTURES. Identifiers: Orphanet 610, MedGen CN029274, MONDO:0024530, OMIM 158810.

Allele frequency attached by ClinVar (database versions not stated): ExAC 0.00002; TOPMed 0.00005.
gnomAD v4.1: 40 of 1,613,750 alleles (0.0025%); highest among the groups gnomAD compares: Middle Eastern, 0.016%; no homozygotes.

Submissions (3):

Labcorp Genetics (formerly Invitae), Labcorp
Classification: Likely benign for Bethlem myopathy 1A. Last evaluated: 2025-12-22. Review status: criteria provided, single submitter. Criteria: Invitae Variant Classification Sherloc (09022015). Collection method: clinical testing. Allele origin: germline.

Blueprint Genetics
Classification: Likely benign. Last evaluated: 2023-09-01. Review status: criteria provided, single submitter. Criteria: ACMG Guidelines, 2015. Collection method: clinical testing. Allele origin: germline.

Illumina Laboratory Services, Illumina
Classification: Likely benign for Collagen VI-related myopathy. Last evaluated: 2018-01-12. Review status: criteria provided, single submitter. Criteria: ICSL Variant Classification Criteria 13 December 2019. Collection method: clinical testing. Allele origin: germline.
Comment: This variant was observed in the ICSL laboratory as part of a predisposition screen in an ostensibly healthy population. It had not been previously curated by ICSL or reported in the Human Gene Mutation Database (HGMD: prior to June 1st, 2018), and was therefore a candidate for classification through an automated scoring system. Utilizing variant allele frequency, disease prevalence and penetrance estimates, and inheritance mode, an automated score was calculated to assess if this variant is too frequent to cause the disease. Based on the score and internal cut-off values, a variant classified as likely benign is not then subjected to further curation. The score for this variant resulted in a classification of likely benign for this disease.

NM_004369.4(COL6A3):c.6879+13C>T

Gene: COL6A3 (collagen type VI alpha 3 chain; minus strand). Cytogenetic location: 2q37.3.
Variant type: single nucleotide variant.
Coding change: c.6879+13C>T on transcript NM_004369.4 (MANE Select); 13 bases into the intron after coding-DNA position 6879, C replaced by T.
Molecular consequence: intron variant.
Genome position (GRCh38, 1-based): chr2:237,350,134, G>A on the plus strand (C>T on the coding strand, the complement: COL6A3 is on the minus strand). VCF-style: chr2-237350134-G-A. GRCh37 (hg19) VCF-style: chr2-238258777-G-A.
Other names: c.5058+13C>T (NM_057166.5); c.6261+13C>T (NM_057167.4).
Identifiers: ClinVar variation 897800 (VCV000897800.10), dbSNP rs754120322, ClinGen allele CA2188055.